The following is an entry in ClinVar:

ClinVar aggregate classification (germline): Uncertain significance (1 of 4 stars; one submission).

Conditions:
Inborn genetic diseases. Identifiers: MedGen C0950123, MeSH D030342.

gnomAD v4.1: 1 of 1,613,010 alleles (0.000062%); highest among the groups gnomAD compares: Non-Finnish European, 0.000085%; no homozygotes.

Submission:

Ambry Genetics
Classification: Uncertain significance for Inborn genetic diseases. Last evaluated: 2021-11-10. Review status: criteria provided, single submitter. Criteria: Ambry Variant Classification Scheme 2023. Collection method: clinical testing. Allele origin: germline.
Comment: The p.N996I variant (also known as c.2987A>T), located in coding exon 20 of the PIK3CA gene, results from an A to T substitution at nucleotide position 2987. The asparagine at codon 996 is replaced by isoleucine, an amino acid with dissimilar properties. This amino acid position is conserved. In addition, the in silico prediction for this alteration is inconclusive. Since supporting evidence is limited at this time, the clinical significance of this alteration remains unclear.

NM_006218.4(PIK3CA):c.2987A>T (p.Asn996Ile)

Gene: PIK3CA (phosphatidylinositol-4,5-bisphosphate 3-kinase catalytic subunit alpha; plus strand). Cytogenetic location: 3q26.32.
Variant type: single nucleotide variant.
Coding change: c.2987A>T on transcript NM_006218.4 (MANE Select); coding-DNA position 2987, A replaced by T.
Protein change: p.Asn996Ile; replaces asparagine 996 with isoleucine.
Molecular consequence: missense variant.
Genome position (GRCh38, 1-based): chr3:179,234,144, A>T. VCF-style: chr3-179234144-A-T. GRCh37 (hg19) VCF-style: chr3-178951932-A-T.
Other names: short protein forms N996I.
Identifiers: ClinVar variation 1798456 (VCV001798456.2), dbSNP rs1245520052, ClinGen allele CA355284685.